The following is an entry in ClinVar:

NM_174936.4(PCSK9):c.42_43insATGCTG (p.Pro14_Leu15insMetLeu)

Gene: PCSK9 (proprotein convertase subtilisin/kexin type 9; plus strand). Cytogenetic location: 1p32.3.
Variant type: Insertion.
Coding change: c.42_43insATGCTG on transcript NM_174936.4 (MANE Select); coding-DNA positions 42 to 43, ATGCTG inserted.
Protein change: p.Pro14_Leu15insMetLeu.
Molecular consequence: inframe insertion. On other transcripts: 5 prime UTR variant (1), non-coding transcript variant (8).
Genome position: GRCh38 VCF-style: chr1-55039879-A-AATGCTG. GRCh37 (hg19) VCF-style: chr1-55505552-A-AATGCTG.
Other names: c.42_43insATGCTG, p.Pro14_Leu15insMetLeu (NM_001407240.1, NM_001407241.1, NM_001407242.1 and 4 more transcripts); c.-693_-692insATGCTG (NM_001407246.1).
Identifiers: ClinVar variation 3074025 (VCV003074025.1), dbSNP rs371488778, ClinGen allele CA523275408.
Genomic context (GRCh38, chr1:55,039,879, plus strand): 5'-AACCTCTCCCCTGGCCCTCATGGGCACCGTCAGCTCCAGGCGGTCCTGGTGGCCGCTGCC[A>AATGCTG]CTGCTGCTGCTGCTGCTGCTGCTCCTGGGTCCCGCGGGCGCCCGTGCGCAGGAGGACGAG-3'

ClinVar aggregate classification (germline): Uncertain significance (1 of 4 stars; one submission).

Conditions:
Hypercholesterolemia, autosomal dominant, 3 (FHCL3). Also called: Familial Hypercholesterolemia, Autosomal Dominant, 3; PCSK9-Related Familial Hypercholesterolemia, Autosomal Dominant; Familial hypercholesterolemia 3. Identifiers: MedGen C1863551, MONDO:0011369, OMIM 603776.

Allele frequency attached by ClinVar (database versions not stated): gnomAD 0.00001.

Submission:

All of Us Research Program, National Institutes of Health
Classification: Uncertain significance for Hypercholesterolemia, autosomal dominant, 3. Last evaluated: 2024-02-05. Review status: criteria provided, single submitter. Criteria: ACMG Guidelines, 2015. Collection method: clinical testing. Allele origin: germline. Inheritance: Autosomal dominant inheritance. Observed: 2 variant alleles, 2 heterozygotes.
Comment: This variant causes an in-frame insertion of two amino acids in the PCSK9 protein. To our knowledge, functional studies have not been reported for this variant. This variant has not been reported in individuals affected with PCSK9-related disorders in the literature. This variant has been identified in 1/31262 chromosomes in the general population by the Genome Aggregation Database (gnomAD). The available evidence is insufficient to determine the role of this variant in disease conclusively. Therefore, this variant is classified as a Variant of Uncertain Significance.

This study involves interpretation of variants in research participants for the purpose of population health screening. Participant phenotype was not available at the time of variant classification. Additional details can be found in publication PMID: 35346344, PMCID: PMC8962531